The following is an entry in ClinVar:

NM_014476.6(PDLIM3):c.298C>T (p.Pro100Ser)

Gene: PDLIM3 (PDZ and LIM domain 3; minus strand). Cytogenetic location: 4q35.1.
Variant type: single nucleotide variant.
Coding change: c.298C>T on transcript NM_014476.6 (MANE Select); coding-DNA position 298, C replaced by T.
Protein change: p.Pro100Ser; replaces proline 100 with serine.
Molecular consequence: missense variant. On other transcripts: non-coding transcript variant (1), intron variant (1).
Genome position (GRCh38, 1-based): chr4:185,523,394, G>A on the plus strand (C>T on the coding strand, the complement: PDLIM3 is on the minus strand). VCF-style: chr4-185523394-G-A. GRCh37 (hg19) VCF-style: chr4-186444548-G-A.
Other names: c.298C>T, p.Pro100Ser (NM_001114107.5, NM_001257962.2); c.94-9057C>T (NM_001257963.2); short protein forms P100S.
Identifiers: ClinVar variation 2623226 (VCV002623226.3), dbSNP rs2478416783, ClinGen allele CA358927249.

ClinVar aggregate classification (germline): Uncertain significance. Review status: criteria provided, multiple submitters, no conflicts (2 of 4 stars). 2 submissions from 2 submitters: Uncertain significance (2). Last evaluated 2025-07-18.

Conditions:
Primary dilated cardiomyopathy (DCM). Also called: Dilated Cardiomyopathy. Identifiers: Orphanet 217604, MedGen C0007193, MeSH D002311, MONDO:0005021, HP:0001644. Inheritance: Various modes of inheritance.
Hypertrophic cardiomyopathy. Also called: HYPERTROPHIC MYOCARDIOPATHY. Identifiers: Orphanet 217569, MedGen C0007194, MeSH D002312, MONDO:0005045, HP:0001639.

Submissions (2):

Labcorp Genetics (formerly Invitae), Labcorp
Classification: Uncertain significance for Hypertrophic cardiomyopathy; Primary dilated cardiomyopathy. Last evaluated: 2025-07-18. Review status: criteria provided, single submitter. Criteria: Invitae Variant Classification Sherloc (09022015). Collection method: clinical testing. Allele origin: germline.
Comment: This sequence change replaces proline, which is neutral and non-polar, with serine, which is neutral and polar, at codon 100 of the PDLIM3 protein (p.Pro100Ser). This variant is not present in population databases (gnomAD no frequency). This variant has not been reported in the literature in individuals affected with PDLIM3-related conditions. ClinVar contains an entry for this variant (Variation ID: 2623226). Invitae Evidence Modeling of protein sequence and biophysical properties (such as structural, functional, and spatial information, amino acid conservation, physicochemical variation, residue mobility, and thermodynamic stability) indicates that this missense variant is not expected to disrupt PDLIM3 protein function with a negative predictive value of 80%. In summary, the available evidence is currently insufficient to determine the role of this variant in disease. Therefore, it has been classified as a Variant of Uncertain Significance.

Ambry Genetics
Classification: Uncertain significance. Last evaluated: 2023-09-07. Review status: criteria provided, single submitter. Criteria: Ambry Variant Classification Scheme 2023. Collection method: clinical testing. Allele origin: germline.
Comment: The p.P100S variant (also known as c.298C>T), located in coding exon 3 of the PDLIM3 gene, results from a C to T substitution at nucleotide position 298. The proline at codon 100 is replaced by serine, an amino acid with similar properties. This amino acid position is conserved. In addition, the in silico prediction for this alteration is inconclusive. Since supporting evidence is limited at this time, the clinical significance of this alteration remains unclear.